The following is an entry in ClinVar:

ClinVar aggregate classification (germline): Uncertain significance (1 of 4 stars; one submission).

Conditions:
Hereditary cancer-predisposing syndrome. Also called: Neoplastic Syndromes, Hereditary; Hereditary Cancer Syndrome; Tumor predisposition; Hereditary neoplastic syndrome. Identifiers: Orphanet 140162, MedGen C0027672, MeSH D009386, MONDO:0015356.

Allele frequency attached by ClinVar (database versions not stated): gnomAD exomes below 0.00001.
gnomAD v4.1: 2 of 1,614,054 alleles (0.00012%); highest among the groups gnomAD compares: Non-Finnish European, 0.00017%; no homozygotes.

Submission:

Ambry Genetics
Classification: Uncertain significance for Hereditary cancer-predisposing syndrome. Last evaluated: 2023-02-27. Review status: criteria provided, single submitter. Criteria: Ambry Variant Classification Scheme 2023. Collection method: clinical testing. Allele origin: germline.
Comment: The p.E494G variant (also known as c.1481A>G), located in coding exon 9 of the PDGFRA gene, results from an A to G substitution at nucleotide position 1481. The glutamic acid at codon 494 is replaced by glycine, an amino acid with similar properties. This amino acid position is highly conserved in available vertebrate species. In addition, the in silico prediction for this alteration is inconclusive. Since supporting evidence is limited at this time, the clinical significance of this alteration remains unclear.

NM_006206.6(PDGFRA):c.1481A>G (p.Glu494Gly)

Gene: PDGFRA (platelet derived growth factor receptor alpha; plus strand). Cytogenetic location: 4q12.
Variant type: single nucleotide variant.
Coding change: c.1481A>G on transcript NM_006206.6 (MANE Select); coding-DNA position 1481, A replaced by G.
Protein change: p.Glu494Gly; replaces glutamic acid 494 with glycine.
Molecular consequence: missense variant.
Genome position (GRCh38, 1-based): chr4:54,273,653, A>G. VCF-style: chr4-54273653-A-G. GRCh37 (hg19) VCF-style: chr4-55139820-A-G.
Other names: c.1481A>G, p.Glu494Gly (NM_001347827.2, NM_001347829.2); c.1556A>G, p.Glu519Gly (NM_001347828.2); c.1520A>G, p.Glu507Gly (NM_001347830.2); short protein forms E494G, E507G, E519G.
Identifiers: ClinVar variation 2447486 (VCV002447486.2), dbSNP rs2110292499, ClinGen allele CA356892654.